The following is an entry in ClinVar:

ClinVar aggregate classification (germline): Likely pathogenic (1 of 4 stars; one submission).

Conditions:
SLC1A4-related disorder. Also called: SLC1A4-related condition.

Submission:

PreventionGenetics, part of Exact Sciences
Classification: Likely pathogenic for SLC1A4-related condition. Last evaluated: 2023-04-21. Review status: criteria provided, single submitter. Criteria: ACMG Guidelines, 2015. Collection method: clinical testing. Allele origin: germline.
Comment: The SLC1A4 c.634-1G>C variant is predicted to disrupt the AG splice acceptor site and interfere with normal splicing. To our knowledge, this variant has not been reported in the literature or in a large population database, indicating this variant is rare. Variants that disrupt the consensus splice acceptor site in SLC1A4 are expected to be pathogenic. This variant is interpreted as likely pathogenic.

NM_003038.5(SLC1A4):c.634-1G>C

Gene: SLC1A4 (solute carrier family 1 member 4; plus strand). Cytogenetic location: 2p14.
Variant type: single nucleotide variant.
Coding change: c.634-1G>C on transcript NM_003038.5 (MANE Select); the canonical splice acceptor site of the intron before coding-DNA position 634, G replaced by C.
Molecular consequence: splice acceptor variant.
Genome position (GRCh38, 1-based): chr2:65,010,596, G>C. VCF-style: chr2-65010596-G-C. GRCh37 (hg19) VCF-style: chr2-65237730-G-C.
Other names: c.-27-1G>C (NM_001348406.2, NM_001193493.2, NM_001348407.2).
Identifiers: ClinVar variation 2632949 (VCV002632949.1), dbSNP rs2528561476, ClinGen allele CA347007501.